The following is an entry in ClinVar:

ClinVar aggregate classification (germline): Benign/Likely benign. Review status: criteria provided, multiple submitters, no conflicts (2 of 4 stars). 5 submissions from 5 submitters: Benign (3); Likely benign (2). Last evaluated 2026-01-17.

Conditions:
Inborn genetic diseases. Identifiers: MedGen C0950123, MeSH D030342.
Charcot-Marie-Tooth disease axonal type 2O. Also called: CHARCOT-MARIE-TOOTH NEUROPATHY, AXONAL, TYPE 2O; CHARCOT-MARIE-TOOTH DISEASE, AXONAL, AUTOSOMAL DOMINANT, TYPE 2O; Charcot-Marie-Tooth Neuropathy Type 2O; Charcot-Marie-Tooth disease, axonal, type 20. Identifiers: Orphanet 284232, MedGen C3280220, MONDO:0013644, OMIM 614228.

Allele frequency attached by ClinVar (database versions not stated): gnomAD exomes 0.00015 and 0.00043; ExAC 0.00050; 1000 Genomes Project 30x 0.00141; gnomAD 0.00165 and 0.00177; 1000 Genomes Project 0.00180; ESP Exome Variant Server 0.00185; TOPMed 0.00187.
gnomAD v4.1: 478 of 1,613,630 alleles (0.03%); highest among the groups gnomAD compares: African/African-American, 0.55%; 1 homozygote.

Submissions (5):

Labcorp Genetics (formerly Invitae), Labcorp
Classification: Benign for Charcot-Marie-Tooth disease axonal type 2O. Last evaluated: 2026-01-17. Review status: criteria provided, single submitter. Criteria: Invitae Variant Classification Sherloc (09022015). Collection method: clinical testing. Allele origin: germline.

ARUP Laboratories, Molecular Genetics and Genomics, ARUP Laboratories
Classification: Benign. Last evaluated: 2024-09-17. Review status: criteria provided, single submitter. Criteria: ARUP Molecular Germline Variant Investigation Process 2024. Collection method: clinical testing. Allele origin: germline.

GeneDx
Classification: Benign. Last evaluated: 2017-12-11. Review status: criteria provided, single submitter. Criteria: GeneDx Variant Classification (06012015). Collection method: clinical testing. Allele origin: germline. Affected: yes.
Comment: This variant is considered likely benign or benign based on one or more of the following criteria: it is a conservative change, it occurs at a poorly conserved position in the protein, it is predicted to be benign by multiple in silico algorithms, and/or has population frequency not consistent with disease.

Ambry Genetics
Classification: Likely benign for Inborn genetic diseases. Last evaluated: 2017-01-09. Review status: criteria provided, single submitter. Criteria: Ambry Variant Classification Scheme 2023. Collection method: clinical testing. Allele origin: germline.

Genetic Services Laboratory, University of Chicago
Classification: Likely benign. Last evaluated: 2015-12-31. Review status: criteria provided, single submitter. Criteria: ACMG Guidelines, 2015. Collection method: clinical testing. Allele origin: germline. Affected: no.

NM_001376.5(DYNC1H1):c.306C>T (p.Asn102=)

Gene: DYNC1H1 (dynein cytoplasmic 1 heavy chain 1; plus strand). Cytogenetic location: 14q32.31.
Variant type: single nucleotide variant.
Coding change: c.306C>T on transcript NM_001376.5 (MANE Select); coding-DNA position 306, C replaced by T.
Protein change: p.Asn102=; no amino-acid change (asparagine 102 retained).
Molecular consequence: synonymous variant.
Genome position (GRCh38, 1-based): chr14:101,975,761, C>T. VCF-style: chr14-101975761-C-T. GRCh37 (hg19) VCF-style: chr14-102442098-C-T.
Identifiers: ClinVar variation 415335 (VCV000415335.22), dbSNP rs17540624, ClinGen allele CA7351492.